The following is an entry in ClinVar:

ClinVar aggregate classification (germline): Benign (1 of 4 stars; one submission).

gnomAD v4.1: 16,722 of 1,572,498 alleles (1.1%); highest among the groups gnomAD compares: Non-Finnish European, 1.3%; 123 homozygotes.

Submission:

CeGaT Center for Human Genetics Tuebingen
Classification: Benign. Last evaluated: 2025-03-01. Review status: criteria provided, single submitter. Criteria: CeGaT Center For Human Genetics Tuebingen Variant Classification Criteria Version 2. Collection method: clinical testing. Allele origin: germline. Affected: yes. Observed: 1 variant allele.
Comment: ENSG00000286022: BS1, BS2; TGM3: BP4, BS1, BS2

NM_003245.4(TGM3):c.1642+6G>A

Gene: TGM3 (transglutaminase 3; plus strand). Cytogenetic location: 20p13.
Variant type: single nucleotide variant.
Coding change: c.1642+6G>A on transcript NM_003245.4 (MANE Select); 6 bases into the intron after coding-DNA position 1642, G replaced by A.
Molecular consequence: intron variant.
Genome position (GRCh38, 1-based): chr20:2,332,316, G>A. VCF-style: chr20-2332316-G-A. GRCh37 (hg19) VCF-style: chr20-2312962-G-A.
Identifiers: ClinVar variation 4820785 (VCV004820785.4).